The following is an entry in ClinVar:

NM_001378454.1(ALMS1):c.4831C>G (p.Pro1611Ala)

Gene: ALMS1 (ALMS1 centrosome and basal body associated protein; plus strand). Cytogenetic location: 2p13.1.
Variant type: single nucleotide variant.
Coding change: c.4831C>G on transcript NM_001378454.1 (MANE Select); coding-DNA position 4831, C replaced by G.
Protein change: p.Pro1611Ala; replaces proline 1611 with alanine.
Molecular consequence: missense variant.
Genome position (GRCh38, 1-based): chr2:73,451,358, C>G. VCF-style: chr2-73451358-C-G. GRCh37 (hg19) VCF-style: chr2-73678485-C-G.
Other names: c.4834C>G, p.Pro1612Ala (NM_015120.4); short protein forms P1612A, P1611A.
Identifiers: ClinVar variation 1420837 (VCV001420837.4), dbSNP rs935791709, ClinGen allele CA347279355.

ClinVar aggregate classification (germline): Uncertain significance. Review status: criteria provided, multiple submitters, no conflicts (2 of 4 stars). 2 submissions from 2 submitters: Uncertain significance (2). Last evaluated 2021-11-23.

Conditions:
Alstrom syndrome (ALMS). Identifiers: Orphanet 64, MedGen C0268425, MONDO:0008763, OMIM 203800.

gnomAD v4.1: 13 of 1,613,976 alleles (0.00081%); highest among the groups gnomAD compares: East Asian, 0.029%; no homozygotes.

Submissions (2):

Labcorp Genetics (formerly Invitae), Labcorp
Classification: Uncertain significance for Alstrom syndrome. Last evaluated: 2021-11-23. Review status: criteria provided, single submitter. Criteria: Invitae Variant Classification Sherloc (09022015). Collection method: clinical testing. Allele origin: germline.
Comment: This sequence change replaces proline, which is neutral and non-polar, with alanine, which is neutral and non-polar, at codon 1612 of the ALMS1 protein (p.Pro1612Ala). This variant is not present in population databases (gnomAD no frequency). This variant has not been reported in the literature in individuals affected with ALMS1-related conditions. Experimental studies and prediction algorithms are not available or were not evaluated, and the functional significance of this variant is currently unknown. In summary, the available evidence is currently insufficient to determine the role of this variant in disease. Therefore, it has been classified as a Variant of Uncertain Significance.

Fulgent Genetics
Classification: Uncertain significance for Alstrom syndrome. Last evaluated: 2021-07-20. Review status: criteria provided, single submitter. Criteria: ACMG Guidelines, 2015. Collection method: clinical testing. Allele origin: unknown.